The following is an entry in ClinVar:

NM_003737.4(DCHS1):c.3310C>T (p.Arg1104Cys)

Gene: DCHS1 (dachsous cadherin-related 1; minus strand). Cytogenetic location: 11p15.4.
Variant type: single nucleotide variant.
Coding change: c.3310C>T on transcript NM_003737.4 (MANE Select); coding-DNA position 3310, C replaced by T.
Protein change: p.Arg1104Cys; replaces arginine 1104 with cysteine.
Molecular consequence: missense variant.
Genome position (GRCh38, 1-based): chr11:6,632,202, G>A on the plus strand (C>T on the coding strand, the complement: DCHS1 is on the minus strand). VCF-style: chr11-6632202-G-A. GRCh37 (hg19) VCF-style: chr11-6653433-G-A.
Other names: c.3310C>T (NM_003737.3); short protein forms R1104C.
Identifiers: ClinVar variation 1353449 (VCV001353449.9), dbSNP rs779045870, ClinGen allele CA5860566.

ClinVar aggregate classification (germline): Uncertain significance. Review status: criteria provided, multiple submitters, no conflicts (2 of 4 stars). 2 submissions from 2 submitters: Uncertain significance (2). Last evaluated 2026-08-18.

Conditions:
DCHS1-related disorder. Also called: DCHS1-related condition.

Allele frequency attached by ClinVar (database versions not stated): ExAC 0.00010.

Submissions (2):

PreventionGenetics, part of Exact Sciences
Classification: Uncertain significance for DCHS1-related condition. Last evaluated: 2026-08-18. Review status: criteria provided, single submitter. Criteria: ACMG Guidelines, 2015. Collection method: clinical testing. Allele origin: germline.
Comment: The DCHS1 c.3310C>T variant is predicted to result in the amino acid substitution p.Arg1104Cys. To our knowledge, this variant has not been reported in the literature. This variant is reported in 0.0098% of alleles in individuals of European (Non-Finnish) descent in gnomAD. At this time, the clinical significance of this variant is uncertain due to the absence of conclusive functional and genetic evidence.

Labcorp Genetics (formerly Invitae), Labcorp
Classification: Uncertain significance. Last evaluated: 2024-01-19. Review status: criteria provided, single submitter. Criteria: Invitae Variant Classification Sherloc (09022015). Collection method: clinical testing. Allele origin: germline.
Comment: This sequence change replaces arginine, which is basic and polar, with cysteine, which is neutral and slightly polar, at codon 1104 of the DCHS1 protein (p.Arg1104Cys). This variant is present in population databases (rs779045870, gnomAD 0.009%). This variant has not been reported in the literature in individuals affected with DCHS1-related conditions. ClinVar contains an entry for this variant (Variation ID: 1353449). Advanced modeling of protein sequence and biophysical properties (such as structural, functional, and spatial information, amino acid conservation, physicochemical variation, residue mobility, and thermodynamic stability) performed at Invitae indicates that this missense variant is expected to disrupt DCHS1 protein function with a positive predictive value of 80%. In summary, the available evidence is currently insufficient to determine the role of this variant in disease. Therefore, it has been classified as a Variant of Uncertain Significance.